The following is an entry in ClinVar:

ClinVar aggregate classification (germline): Uncertain significance (1 of 4 stars; one submission).

Conditions:
Early-infantile DEE. Also called: Early infantile epileptic encephalopathy; Ohtahara syndrome; Early infantile epileptic encephalopathy with suppression bursts. Identifiers: Orphanet 1934, MedGen C0393706, MONDO:0800491.

Allele frequency attached by ClinVar (database versions not stated): ExAC 0.00001; gnomAD exomes below 0.00001.
gnomAD v4.1: 2 of 1,613,916 alleles (0.00012%); highest among the groups gnomAD compares: Admixed American, 0.0033%; no homozygotes.

Submission:

Labcorp Genetics (formerly Invitae), Labcorp
Classification: Uncertain significance for Early-infantile DEE. Last evaluated: 2026-02-01. Review status: criteria provided, single submitter. Criteria: Invitae Variant Classification Sherloc (09022015). Collection method: clinical testing. Allele origin: germline.
Comment: This sequence change replaces phenylalanine, which is neutral and non-polar, with cysteine, which is neutral and slightly polar, at codon 1983 of the SPTAN1 protein (p.Phe1983Cys). This variant is not present in population databases (gnomAD no frequency). This variant has not been reported in the literature in individuals affected with SPTAN1-related conditions. ClinVar contains an entry for this variant (Variation ID: 1967576). Invitae Evidence Modeling of protein sequence and biophysical properties (such as structural, functional, and spatial information, amino acid conservation, physicochemical variation, residue mobility, and thermodynamic stability) has been performed for this missense variant. However, the output from this modeling did not meet the statistical confidence thresholds required to predict the impact of this variant on SPTAN1 protein function. In summary, the available evidence is currently insufficient to determine the role of this variant in disease. Therefore, it has been classified as a Variant of Uncertain Significance.

NM_001130438.3(SPTAN1):c.5948T>G (p.Phe1983Cys)

Gene: SPTAN1 (spectrin alpha, non-erythrocytic 1; plus strand). Cytogenetic location: 9q34.11.
Variant type: single nucleotide variant.
Coding change: c.5948T>G on transcript NM_001130438.3 (MANE Select); coding-DNA position 5948, T replaced by G.
Protein change: p.Phe1983Cys; replaces phenylalanine 1983 with cysteine.
Molecular consequence: missense variant.
Genome position (GRCh38, 1-based): chr9:128,624,443, T>G. VCF-style: chr9-128624443-T-G. GRCh37 (hg19) VCF-style: chr9-131386722-T-G.
Other names: c.5873T>G, p.Phe1958Cys (NM_001195532.2); c.5948T>G, p.Phe1983Cys (NM_001363759.2, NM_001375310.1, NM_001375311.2 and 1 more transcripts); c.5888T>G, p.Phe1963Cys (NM_001363765.2, NM_001375314.2); c.5984T>G, p.Phe1995Cys (NM_001375312.2, NM_001375318.1); c.5933T>G, p.Phe1978Cys (NM_003127.4); short protein forms F1958C, F1995C, F1963C, F1978C, F1983C.
Identifiers: ClinVar variation 1967576 (VCV001967576.5), dbSNP rs774541647, ClinGen allele CA5265601.